The following is an entry in ClinVar:

ClinVar aggregate classification (germline): Uncertain significance (1 of 4 stars; one submission).

Allele frequency attached by ClinVar (database versions not stated): gnomAD exomes below 0.00001; gnomAD 0.00001.

Submission:

Labcorp Genetics (formerly Invitae), Labcorp
Classification: Uncertain significance. Last evaluated: 2024-02-19. Review status: criteria provided, single submitter. Criteria: Invitae Variant Classification Sherloc (09022015). Collection method: clinical testing. Allele origin: germline.
Comment: This sequence change replaces proline, which is neutral and non-polar, with alanine, which is neutral and non-polar, at codon 2602 of the VCAN protein (p.Pro2602Ala). This variant is present in population databases (no rsID available, gnomAD 0.0009%). This variant has not been reported in the literature in individuals affected with VCAN-related conditions. ClinVar contains an entry for this variant (Variation ID: 970449). An algorithm developed to predict the effect of missense changes on protein structure and function (PolyPhen-2) suggests that this variant is likely to be tolerated. In summary, the available evidence is currently insufficient to determine the role of this variant in disease. Therefore, it has been classified as a Variant of Uncertain Significance.

NM_004385.5(VCAN):c.7804C>G (p.Pro2602Ala)

Genes: VCAN (versican; plus strand), VCAN-AS1 (VCAN antisense RNA 1; minus strand). Cytogenetic location: 5q14.3.
Variant type: single nucleotide variant.
Coding change: c.7804C>G on transcript NM_004385.5 (MANE Select); coding-DNA position 7804, C replaced by G.
Protein change: p.Pro2602Ala; replaces proline 2602 with alanine.
Molecular consequence: missense variant. On other transcripts: intron variant (2).
Genome position (GRCh38, 1-based): chr5:83,540,807, C>G. VCF-style: chr5-83540807-C-G. GRCh37 (hg19) VCF-style: chr5-82836626-C-G.
Other names: c.4843C>G, p.Pro1615Ala (NM_001164097.2); c.4004-4730C>G (NM_001164098.2); c.1043-4730C>G (NM_001126336.3); short protein forms P1615A, P2602A.
Identifiers: ClinVar variation 970449 (VCV000970449.9), dbSNP rs1488201201, ClinGen allele CA360315544.